The following is an entry in ClinVar:

NM_004793.4(LONP1):c.83G>C (p.Gly28Ala)

Gene: LONP1 (lon peptidase 1, mitochondrial; minus strand). Cytogenetic location: 19p13.3.
Variant type: single nucleotide variant.
Coding change: c.83G>C on transcript NM_004793.4 (MANE Select); coding-DNA position 83, G replaced by C.
Protein change: p.Gly28Ala; replaces glycine 28 with alanine.
Molecular consequence: missense variant. On other transcripts: non-coding transcript variant (1), intron variant (1).
Genome position (GRCh38, 1-based): chr19:5,720,050, C>G on the plus strand (G>C on the coding strand, the complement: LONP1 is on the minus strand). VCF-style: chr19-5720050-C-G. GRCh37 (hg19) VCF-style: chr19-5720061-C-G.
Other names: c.83G>C, p.Gly28Ala (NM_001276479.2); c.-160+169G>C (NM_001276480.1); c.83G>C (NM_004793.2); short protein forms G28A.
Identifiers: ClinVar variation 1316377 (VCV001316377.12), dbSNP rs541961432, ClinGen allele CA9115239.

ClinVar aggregate classification (germline): Conflicting classifications of pathogenicity. Review status: criteria provided, conflicting classifications (1 of 4 stars). 4 submissions from 4 submitters: Uncertain significance (2); Benign (1); Likely benign (1). Last evaluated 2026-06-04.

Conditions:
Inborn genetic diseases. Identifiers: MedGen C0950123, MeSH D030342.
LONP1-related disorder. Also called: LONP1-related condition; LONP1-related disorders.

Allele frequency attached by ClinVar (database versions not stated): gnomAD exomes 0.00004; ExAC 0.00008; gnomAD 0.00050 and 0.00054; 1000 Genomes Project 0.00060; 1000 Genomes Project 30x 0.00062.
gnomAD v4.1: 152 of 1,538,410 alleles (0.0099%); highest among the groups gnomAD compares: African/African-American, 0.2%; no homozygotes.

Submissions (4):

PreventionGenetics, part of Exact Sciences
Classification: Likely benign for LONP1-related condition. Last evaluated: 2026-06-04. Review status: criteria provided, single submitter. Criteria: ACMG Guidelines, 2015. Collection method: clinical testing. Allele origin: germline.
Comment: This variant is classified as likely benign based on ACMG/AMP sequence variant interpretation guidelines (Richards et al. 2015 PMID: 25741868, with internal and published modifications).

Labcorp Genetics (formerly Invitae), Labcorp
Classification: Benign. Last evaluated: 2025-06-22. Review status: criteria provided, single submitter. Criteria: Invitae Variant Classification Sherloc (09022015). Collection method: clinical testing. Allele origin: germline.

Ambry Genetics
Classification: Uncertain significance for Inborn genetic diseases. Last evaluated: 2025-02-20. Review status: criteria provided, single submitter. Criteria: Ambry Variant Classification Scheme 2023. Collection method: clinical testing. Allele origin: germline.

GeneDx
Classification: Uncertain significance. Last evaluated: 2021-04-15. Review status: criteria provided, single submitter. Criteria: GeneDx Variant Classification Process June 2021. Collection method: clinical testing. Allele origin: germline. Affected: yes.
Comment: In silico analysis supports that this missense variant does not alter protein structure/function; Has not been previously published as pathogenic or benign to our knowledge